The following is an entry in ClinVar:

ClinVar aggregate classification (germline): Uncertain significance (1 of 4 stars; one submission).

Conditions:
Familial thoracic aortic aneurysm and aortic dissection (TAAD). Also called: Thoracic aortic aneurysms and dissections. Identifiers: Orphanet 91387, MedGen C4707243, MONDO:0019625.

Submission:

Color Diagnostics, LLC DBA Color Health
Classification: Uncertain significance for Familial thoracic aortic aneurysm and aortic dissection. Last evaluated: 2025-09-29. Review status: criteria provided, single submitter. Criteria: ACMG Guidelines, 2015. Collection method: clinical testing. Allele origin: germline.
Comment: This missense variant replaces leucine with phenylalanine at codon 1308 of the COL3A1 protein. Computational prediction suggests that this variant may not impact protein structure and function. To our knowledge, functional studies have not been reported for this variant. This variant has not been reported in individuals affected with COL3A1-related disorders in the literature. This variant has not been identified in the general population by the Genome Aggregation Database (gnomAD). The available evidence is insufficient to determine the role of this variant in disease conclusively. Therefore, this variant is classified as a Variant of Uncertain Significance.

NM_000090.4(COL3A1):c.3924G>T (p.Leu1308Phe)

Gene: COL3A1 (collagen type III alpha 1 chain; plus strand). Cytogenetic location: 2q32.2.
Variant type: single nucleotide variant.
Coding change: c.3924G>T on transcript NM_000090.4 (MANE Select); coding-DNA position 3924, G replaced by T.
Protein change: p.Leu1308Phe; replaces leucine 1308 with phenylalanine.
Molecular consequence: missense variant.
Genome position (GRCh38, 1-based): chr2:189,010,278, G>T. VCF-style: chr2-189010278-G-T. GRCh37 (hg19) VCF-style: chr2-189875004-G-T.
Other names: short protein forms L1308F.
Identifiers: ClinVar variation 4758091 (VCV004758091.1).